The following is an entry in ClinVar:

NM_181458.4(PAX3):c.959-5T>G

Genes: PAX3 (paired box 3; minus strand), LOC126806529 (CDK7 strongly-dependent group 2 enhancer GRCh37_chr2:223084735-223085934; plus strand). Cytogenetic location: 2q36.1.
Variant type: single nucleotide variant.
Coding change: c.959-5T>G on transcript NM_181458.4 (MANE Select); 5 bases into the intron before coding-DNA position 959, T replaced by G.
Molecular consequence: intron variant.
Genome position (GRCh38, 1-based): chr2:222,220,359, A>C on the plus strand (T>G on the coding strand, the complement: PAX3 is on the minus strand). VCF-style: chr2-222220359-A-C. GRCh37 (hg19) VCF-style: chr2-223085078-A-C.
Other names: c.956-5T>G (NM_001127366.3); c.959-5T>G (NM_181460.4, NM_181461.4, NM_181459.4 and 1 more transcripts).
Identifiers: ClinVar variation 3342303 (VCV003342303.1).
Genomic context (GRCh38, chr2:222,220,359, plus strand): 5'-AGTGCTTGGAGGAAGCGGTTGAGGTCTGTGAACGGTGCTGCTGGGATCTGACACAGCTGA[A>C]ATGAAAAAGATTGTCAACCATCATGTTTTCTTTTAGGCCAGCAGAGAAAGTTCAGTGCAA-3'

ClinVar aggregate classification (germline): Uncertain significance (1 of 4 stars; one submission).

Submission:

GeneDx
Classification: Uncertain significance. Last evaluated: 2024-02-15. Review status: criteria provided, single submitter. Criteria: GeneDx Variant Classification Process June 2021. Collection method: clinical testing. Allele origin: germline. Affected: yes.
Comment: Not observed at significant frequency in large population cohorts (gnomAD); In silico analysis supports a deleterious effect on splicing; This variant is associated with the following publications: (PMID: 33747040)